The following is an entry in ClinVar:

NM_001692.4(ATP6V1B1):c.365dup (p.Arg124fs)

Gene: ATP6V1B1 (ATPase H+ transporting V1 subunit B1; plus strand). Cytogenetic location: 2p13.3.
Variant type: Duplication.
Coding change: c.365dup on transcript NM_001692.4 (MANE Select); coding-DNA position 365, one base duplicated (T; older notation c.365dupT).
Protein change: p.Arg124fs; shifts the reading frame from arginine 124.
Molecular consequence: frameshift variant.
Genome position (GRCh38, 1-based): chr2:70,958,424, T duplicated. VCF-style (leftmost placement, unchanged base first): chr2-70958423-C-CT. GRCh37 (hg19) VCF-style: chr2-71185553-C-CT.
Other names: short protein forms R124fs.
Identifiers: ClinVar variation 2865211 (VCV002865211.3), dbSNP rs2466285213, ClinGen allele CA2739274548.

ClinVar aggregate classification (germline): Pathogenic (1 of 4 stars; one submission).

Submission:

Labcorp Genetics (formerly Invitae), Labcorp
Classification: Pathogenic. Last evaluated: 2023-05-24. Review status: criteria provided, single submitter. Criteria: Invitae Variant Classification Sherloc (09022015). Collection method: clinical testing. Allele origin: germline.
Comment: For these reasons, this variant has been classified as Pathogenic. This variant has not been reported in the literature in individuals affected with ATP6V1B1-related conditions. This variant is not present in population databases (gnomAD no frequency). This sequence change creates a premature translational stop signal (p.Arg124Serfs*11) in the ATP6V1B1 gene. It is expected to result in an absent or disrupted protein product. Loss-of-function variants in ATP6V1B1 are known to be pathogenic (PMID: 9916796, 18368028).

Literature cited by the submitters: PubMed 9916796; PubMed 18368028.